The following is an entry in ClinVar:

NM_001397.3(ECE1):c.2068G>T (p.Gly690Trp)

Gene: ECE1 (endothelin converting enzyme 1; minus strand). Cytogenetic location: 1p36.12.
Variant type: single nucleotide variant.
Coding change: c.2068G>T on transcript NM_001397.3 (MANE Select); coding-DNA position 2068, G replaced by T.
Protein change: p.Gly690Trp; replaces glycine 690 with tryptophan.
Molecular consequence: missense variant.
Genome position (GRCh38, 1-based): chr1:21,221,815, C>A on the plus strand (G>T on the coding strand, the complement: ECE1 is on the minus strand). VCF-style: chr1-21221815-C-A. GRCh37 (hg19) VCF-style: chr1-21548308-C-A.
Other names: c.2032G>T, p.Gly678Trp (NM_001113347.2); c.2020G>T, p.Gly674Trp (NM_001113348.2); c.2059G>T, p.Gly687Trp (NM_001113349.2); short protein forms G674W, G678W, G687W, G690W.
Identifiers: ClinVar variation 4537002 (VCV004537002.1).

ClinVar aggregate classification (germline): Uncertain significance (1 of 4 stars; one submission).

Submission:

Women's Health and Genetics/Laboratory Corporation of America, LabCorp
Classification: Uncertain significance. Last evaluated: 2025-11-06. Review status: criteria provided, single submitter. Criteria: LabCorp Variant Classification Summary - May 2015. Collection method: clinical testing. Allele origin: germline.
Comment: Variant summary: ECE1 c.2068G>T (p.Gly690Trp) results in a non-conservative amino acid change in the encoded protein sequence. Algorithms developed to predict the effect of missense changes on protein structure and function all suggest that this variant is likely to be disruptive. The variant was absent in 251490 control chromosomes. The available data on variant occurrences in the general population are insufficient to allow any conclusion about variant significance. To our knowledge, no occurrence of c.2068G>T in individuals affected with ECE1-related conditions and no experimental evidence demonstrating its impact on protein function have been reported. No submitters have cited clinical-significance assessments for this variant to ClinVar. Based on the evidence outlined above, the variant was classified as uncertain significance.